The following is an entry in ClinVar:

NM_015978.3(TNNI3K):c.1759C>T (p.Arg587Cys)

Genes: FPGT-TNNI3K (FPGT-TNNI3K readthrough; plus strand), TNNI3K (TNNI3 interacting kinase; plus strand). Cytogenetic location: 1p31.1.
Variant type: single nucleotide variant.
Coding change: c.1759C>T on transcript NM_015978.3 (MANE Select); coding-DNA position 1759, C replaced by T.
Protein change: p.Arg587Cys; replaces arginine 587 with cysteine.
Molecular consequence: missense variant.
Genome position (GRCh38, 1-based): chr1:74,370,379, C>T. VCF-style: chr1-74370379-C-T. GRCh37 (hg19) VCF-style: chr1-74836063-C-T.
Other names: c.2062C>T, p.Arg688Cys (NM_001112808.3, NM_001199327.2); short protein forms R587C, R688C.
Identifiers: ClinVar variation 2788261 (VCV002788261.3), dbSNP rs200254775, ClinGen allele CA24545923.

ClinVar aggregate classification (germline): Uncertain significance (1 of 4 stars; one submission).

gnomAD v4.1: 17 of 1,605,368 alleles (0.0011%); highest among the groups gnomAD compares: East Asian, 0.0022%; no homozygotes.

Submission:

Labcorp Genetics (formerly Invitae), Labcorp
Classification: Uncertain significance. Last evaluated: 2025-04-17. Review status: criteria provided, single submitter. Criteria: Invitae Variant Classification Sherloc (09022015). Collection method: clinical testing. Allele origin: germline.
Comment: This sequence change replaces arginine, which is basic and polar, with cysteine, which is neutral and slightly polar, at codon 587 of the TNNI3K protein (p.Arg587Cys). This variant is not present in population databases (gnomAD no frequency). This variant has not been reported in the literature in individuals affected with TNNI3K-related conditions. ClinVar contains an entry for this variant (Variation ID: 2788261). Invitae Evidence Modeling of protein sequence and biophysical properties (such as structural, functional, and spatial information, amino acid conservation, physicochemical variation, residue mobility, and thermodynamic stability) has been performed for this missense variant. However, the output from this modeling did not meet the statistical confidence thresholds required to predict the impact of this variant on TNNI3K protein function. In summary, the available evidence is currently insufficient to determine the role of this variant in disease. Therefore, it has been classified as a Variant of Uncertain Significance.